The following is an entry in ClinVar:

ClinVar aggregate classification (germline): Benign. Review status: criteria provided, multiple submitters, no conflicts (2 of 4 stars). 2 submissions from 2 submitters: Benign (2). Last evaluated 2018-06-14.

Allele frequency attached by ClinVar (database versions not stated): 1000 Genomes Project 0.33060; gnomAD exomes 0.34826; 1000 Genomes Project 30x 0.34901; gnomAD 0.37581 and 0.38224; TOPMed 0.39712.
gnomAD v4.1: 247,026 of 698,313 alleles (35%); highest among the groups gnomAD compares: Admixed American, 50%; 32,101 homozygotes.

Submissions (2):

GeneDx
Classification: Benign. Last evaluated: 2018-06-14. Review status: criteria provided, single submitter. Criteria: GeneDx Variant Classification (06012015). Collection method: clinical testing. Allele origin: germline. Affected: yes.
Comment: This variant is considered likely benign or benign based on one or more of the following criteria: it is a conservative change, it occurs at a poorly conserved position in the protein, it is predicted to be benign by multiple in silico algorithms, and/or has population frequency not consistent with disease.

Breakthrough Genomics
Classification: Benign. Review status: criteria provided, single submitter. Criteria: ACMG Guidelines, 2015. Collection method: not provided. Allele origin: germline. Inheritance: X-linked inheritance. Affected: yes.

NM_005120.3(MED12):c.1974+93G>C

Gene: MED12 (mediator complex subunit 12; plus strand). Cytogenetic location: Xq13.1.
Variant type: single nucleotide variant.
Coding change: c.1974+93G>C on transcript NM_005120.3 (MANE Select); 93 bases into the intron after coding-DNA position 1974, G replaced by C.
Molecular consequence: intron variant.
Genome position (GRCh38, 1-based): chrX:71,124,481, G>C. VCF-style: chrX-71124481-G-C. GRCh37 (hg19) VCF-style: chrX-70344331-G-C.
Identifiers: ClinVar variation 674295 (VCV000674295.2), dbSNP rs59024650, ClinGen allele CA15054480.
Genomic context (GRCh38, chrX:71,124,481, plus strand): 5'-CTTCTGACATTTCCATCTTCATGGCTCCCAGGGGCCTCTAAGAGCCTCTTTTGCCTGGGG[G>C]AGGGGGGTAGTATTTTTCTTAGCACTTGGTGATTGACCAAGCACTCTCACATCAATTGTT-3'